The following is an entry in ClinVar:

NM_000484.4(APP):c.1805C>G (p.Thr602Ser)

Gene: APP (amyloid beta precursor protein; minus strand). Cytogenetic location: 21q21.3.
Variant type: single nucleotide variant.
Coding change: c.1805C>G on transcript NM_000484.4 (MANE Select); coding-DNA position 1805, C replaced by G.
Protein change: p.Thr602Ser; replaces threonine 602 with serine.
Molecular consequence: missense variant.
Genome position (GRCh38, 1-based): chr21:25,911,845, G>C on the plus strand (C>G on the coding strand, the complement: APP is on the minus strand). VCF-style: chr21-25911845-G-C. GRCh37 (hg19) VCF-style: chr21-27284157-G-C.
Other names: c.1733C>G, p.Thr578Ser (NM_001136016.3); c.1412C>G, p.Thr471Ser (NM_001136129.3); c.1637C>G, p.Thr546Ser (NM_001136130.3, NM_001385253.1); c.1475C>G, p.Thr492Ser (NM_001136131.3); c.1805C>G, p.Thr602Ser (NM_001204301.2); c.1748C>G, p.Thr583Ser (NM_001204302.2, NM_201413.3); c.1580C>G, p.Thr527Ser (NM_001204303.2, NM_201414.3); short protein forms T546S, T578S, T602S, T471S, T492S, T527S, T583S.
Identifiers: ClinVar variation 3637809 (VCV003637809.2).
Genomic context (GRCh38, chr21:25,911,845, plus strand): 5'-TGCCACGGCTGGAGATCGTCCAGGCTGAACTCTCCATTCACGGGAAGGAGCTCCACGGTG[G>C]TTTTCGTTTCGGTCAAAGATGGCATGAGAGCATCGTTTCCGTAACTGATCCTTGGTTCAC-3'
Protein context (NP_000475.1, residues 592-612): ALMPSLTETK[Thr602Ser]TVELLPVNGE

ClinVar aggregate classification (germline): Uncertain significance (1 of 4 stars; one submission).

Conditions:
Alzheimer disease. Also called: Presenile and senile dementia; Alzheimer's disease. Identifiers: Orphanet 1020, MedGen C0002395, MeSH D000544, MONDO:0004975, HP:0002511.

Submission:

Labcorp Genetics (formerly Invitae), Labcorp
Classification: Uncertain significance for Alzheimer disease. Last evaluated: 2024-02-16. Review status: criteria provided, single submitter. Criteria: Invitae Variant Classification Sherloc (09022015). Collection method: clinical testing. Allele origin: germline.
Comment: This sequence change replaces threonine, which is neutral and polar, with serine, which is neutral and polar, at codon 602 of the APP protein (p.Thr602Ser). This variant is not present in population databases (gnomAD no frequency). This variant has not been reported in the literature in individuals affected with APP-related conditions. Advanced modeling of protein sequence and biophysical properties (such as structural, functional, and spatial information, amino acid conservation, physicochemical variation, residue mobility, and thermodynamic stability) performed at Invitae indicates that this missense variant is not expected to disrupt APP protein function with a negative predictive value of 95%. In summary, the available evidence is currently insufficient to determine the role of this variant in disease. Therefore, it has been classified as a Variant of Uncertain Significance.